The following is an entry in ClinVar:

ClinVar aggregate classification (germline): Conflicting classifications of pathogenicity. Review status: criteria provided, conflicting classifications (1 of 4 stars). 3 submissions from 3 submitters: Uncertain significance (2); Likely benign (1). Last evaluated 2024-10-14.

Conditions:
Hereditary breast ovarian cancer syndrome. Also called: Hereditary breast and ovarian cancer; Hereditary breast and/or ovarian cancer syndrome; Breast and ovarian cancer; BRCA1- and BRCA2-Associated Hereditary Breast and Ovarian Cancer; Hereditary breast and ovarian cancer syndrome; Hereditary breast and ovarian cancer syndrome (HBOC). Identifiers: Orphanet 145, MedGen C0677776, MeSH D061325, MONDO:0003582. Disease mechanism: loss of function.
Hereditary cancer-predisposing syndrome. Also called: Hereditary neoplastic syndrome; Tumor predisposition; Neoplastic Syndromes, Hereditary; Hereditary Cancer Syndrome. Identifiers: Orphanet 140162, MedGen C0027672, MeSH D009386, MONDO:0015356.

Submissions (3):

GeneDx
Classification: Uncertain significance. Last evaluated: 2024-10-14. Review status: criteria provided, single submitter. Criteria: GeneDx Variant Classification Process June 2021. Collection method: clinical testing. Allele origin: germline. Affected: yes.
Comment: Not observed at significant frequency in large population cohorts (gnomAD); In silico analysis supports that this missense variant has a deleterious effect on protein structure/function; Has not been previously published as pathogenic or benign to our knowledge; Also known as 852G>C; This variant is associated with the following publications: (PMID: 20215511, 9582019, 9926942, 9788437)

Labcorp Genetics (formerly Invitae), Labcorp
Classification: Uncertain significance for Hereditary breast ovarian cancer syndrome. Last evaluated: 2023-10-04. Review status: criteria provided, single submitter. Criteria: Invitae Variant Classification Sherloc (09022015). Collection method: clinical testing. Allele origin: germline.
Comment: This sequence change replaces aspartic acid, which is acidic and polar, with histidine, which is basic and polar, at codon 245 of the BRCA1 protein (p.Asp245His). This variant is not present in population databases (gnomAD no frequency). This variant has not been reported in the literature in individuals affected with BRCA1-related conditions. ClinVar contains an entry for this variant (Variation ID: 656411). Advanced modeling of protein sequence and biophysical properties (such as structural, functional, and spatial information, amino acid conservation, physicochemical variation, residue mobility, and thermodynamic stability) performed at Invitae indicates that this missense variant is not expected to disrupt BRCA1 protein function. In summary, the available evidence is currently insufficient to determine the role of this variant in disease. Therefore, it has been classified as a Variant of Uncertain Significance.

University of Washington Department of Laboratory Medicine, University of Washington
Classification: Likely benign for Hereditary cancer-predisposing syndrome. Last evaluated: 2023-03-23. Review status: criteria provided, single submitter. Criteria: Dines et al. (Genet Med. 2020). Collection method: curation. Allele origin: germline.
Comment: Missense variant in a coldspot region where missense variants are very unlikely to be pathogenic (PMID:31911673).

BRCA1 coldspot (exon 11 using historical exon numbering). Reclassification based on statistical prior probability

NM_007294.4(BRCA1):c.733G>C (p.Asp245His)

Gene: BRCA1 (BRCA1 DNA repair associated; minus strand). Cytogenetic location: 17q21.31.
Variant type: single nucleotide variant.
Coding change: c.733G>C on transcript NM_007294.4 (MANE Select); coding-DNA position 733, G replaced by C.
Protein change: p.Asp245His; replaces aspartic acid 245 with histidine.
Molecular consequence: missense variant. On other transcripts: non-coding transcript variant (1).
Genome position (GRCh38, 1-based): chr17:43,094,798, C>G on the plus strand (G>C on the coding strand, the complement: BRCA1 is on the minus strand). VCF-style: chr17-43094798-C-G. GRCh37 (hg19) VCF-style: chr17-41246815-C-G.
Other names: c.733G>C, p.Asp245His (NM_001407990.1, NM_001407993.1, NM_001408403.1 and 54 more transcripts); c.730G>C, p.Asp244His (NM_001407991.1, NM_001407986.1, NM_001407992.1 and 38 more transcripts); c.724G>C, p.Asp242His (NM_001408408.1, NM_001407646.1, NM_001407647.1); c.655G>C, p.Asp219His (NM_001408409.1, NM_001408411.1, NM_001408412.1 and 9 more transcripts); c.592G>C, p.Asp198His (NM_001408410.1, NM_001408452.1, NM_001408453.1 and 43 more transcripts); c.652G>C, p.Asp218His (NM_001408413.1, NM_001408416.1, NM_001407659.1 and 3 more transcripts); c.610G>C, p.Asp204His (NM_001408425.1, NM_001408426.1, NM_001408427.1 and 34 more transcripts); c.607G>C, p.Asp203His (NM_001408432.1, NM_001408433.1, NM_001408434.1 and 20 more transcripts); and 14 more; short protein forms D198H, D245H, D175H, D178H, D204H, D117H, D118H, D156H.
Identifiers: ClinVar variation 656411 (VCV000656411.13), dbSNP rs147519994, ClinGen allele CA10600615.